The following is an entry in ClinVar:

ClinVar aggregate classification (germline): Uncertain significance (1 of 4 stars; one submission).

Conditions:
MYPN-related disorder. Also called: MYPN-related condition.

Submission:

PreventionGenetics, part of Exact Sciences
Classification: Uncertain significance for MYPN-related condition. Last evaluated: 2026-07-10. Review status: criteria provided, single submitter. Criteria: ACMG Guidelines, 2015. Collection method: clinical testing. Allele origin: germline.
Comment: The MYPN c.1625G>C variant is predicted to result in the amino acid substitution p.Gly542Ala. To our knowledge, this variant has not been reported in the literature or in a large population database (gnomAD), indicating this variant is rare. At this time, the clinical significance of this variant is uncertain due to the absence of conclusive functional and genetic evidence.

NM_032578.4(MYPN):c.1625G>C (p.Gly542Ala)

Gene: MYPN (myopalladin; plus strand). Cytogenetic location: 10q21.3.
Variant type: single nucleotide variant.
Coding change: c.1625G>C on transcript NM_032578.4 (MANE Select); coding-DNA position 1625, G replaced by C.
Protein change: p.Gly542Ala; replaces glycine 542 with alanine.
Molecular consequence: missense variant. On other transcripts: non-coding transcript variant (2).
Genome position (GRCh38, 1-based): chr10:68,166,318, G>C. VCF-style: chr10-68166318-G-C. GRCh37 (hg19) VCF-style: chr10-69926075-G-C.
Other names: c.1625G>C, p.Gly542Ala (NM_001256267.2); c.743G>C, p.Gly248Ala (NM_001256268.2); short protein forms G248A, G542A.
Identifiers: ClinVar variation 4995320 (VCV004995320.1).